The following is an entry in ClinVar:

NM_013275.6(ANKRD11):c.1921_1923del (p.Lys641del)

Gene: ANKRD11 (ankyrin repeat domain 11; minus strand). Cytogenetic location: 16q24.3.
Variant type: Deletion.
Coding change: c.1921_1923del on transcript NM_013275.6 (MANE Select); coding-DNA positions 1921 to 1923, 3 bases deleted (AAG; older notation c.1921_1923delAAG).
Protein change: p.Lys641del; deletes lysine 641.
Molecular consequence: inframe deletion.
Genome position (GRCh38, 1-based): chr16:89,284,619-89,284,621, CTT deleted on the plus strand (AAG on the coding strand, the reverse complement: ANKRD11 is on the minus strand). VCF-style (leftmost placement, unchanged base first): chr16-89284618-CCTT-C. GRCh37 (hg19) VCF-style: chr16-89351026-CCTT-C.
Other names: c.1921_1923del, p.Lys641del (NM_001256182.2, NM_001256183.2); short protein forms K641del.
Identifiers: ClinVar variation 1519794 (VCV001519794.10), dbSNP rs757738828, ClinGen allele CA8242662.

ClinVar aggregate classification (germline): Conflicting classifications of pathogenicity. Review status: criteria provided, conflicting classifications (1 of 4 stars). 3 submissions from 3 submitters: Uncertain significance (1); Likely benign (2). Last evaluated 2024-12-09.

Conditions:
Intellectual disability. Also called: Intellectual functioning disability; intellectual disabilities; Intellectual developmental disorder. Identifiers: MedGen C3714756, MeSH D008607, MONDO:0001071, HP:0001249.
KBG syndrome (KBGS). Also called: ANKRD11-Related KBG Syndrome. Identifiers: Orphanet 2332, MedGen C0220687, MONDO:0007846, OMIM 148050.

Allele frequency attached by ClinVar (database versions not stated): TOPMed 0.00003; gnomAD 0.00004; gnomAD exomes 0.00004; ExAC 0.00007.

Submissions (3):

Labcorp Genetics (formerly Invitae), Labcorp
Classification: Uncertain significance for KBG syndrome. Last evaluated: 2024-12-09. Review status: criteria provided, single submitter. Criteria: Invitae Variant Classification Sherloc (09022015). Collection method: clinical testing. Allele origin: germline.
Comment: This variant, c.1921_1923del, results in the deletion of 1 amino acid(s) of the ANKRD11 protein (p.Lys641del), but otherwise preserves the integrity of the reading frame. The frequency data for this variant in the population databases is considered unreliable, as metrics indicate poor data quality at this position in the gnomAD database. This variant has been observed in individual(s) with clinical features of ANKRD11-related conditions (internal data). ClinVar contains an entry for this variant (Variation ID: 1519794). Experimental studies and prediction algorithms are not available or were not evaluated, and the functional significance of this variant is currently unknown. In summary, the available evidence is currently insufficient to determine the role of this variant in disease. Therefore, it has been classified as a Variant of Uncertain Significance.

Blueprint Genetics
Classification: Likely benign. Last evaluated: 2024-11-08. Review status: criteria provided, single submitter. Criteria: ACMG Guidelines, 2015. Collection method: clinical testing. Allele origin: germline.

Cambridge Genomics Laboratory, East Genomic Laboratory Hub, NHS Genomic Medicine Service
Classification: Likely benign for Intellectual disability. Last evaluated: 2020-07-27. Review status: criteria provided, single submitter. Criteria: ACGS Best Practice Guidelines for Variant Classification in Rare Disease 2020. Collection method: clinical testing. Allele origin: germline. Affected: yes. Observed: 1 variant allele.